The following is an entry in ClinVar:

NM_001244008.2(KIF1A):c.1254C>T (p.Ala418=)

Gene: KIF1A (kinesin family member 1A; minus strand). Cytogenetic location: 2q37.3.
Variant type: single nucleotide variant.
Coding change: c.1254C>T on transcript NM_001244008.2 (MANE Select); coding-DNA position 1254, C replaced by T.
Protein change: p.Ala418=; no amino-acid change (alanine 418 retained).
Molecular consequence: synonymous variant.
Genome position (GRCh38, 1-based): chr2:240,771,058, G>A on the plus strand (C>T on the coding strand, the complement: KIF1A is on the minus strand). VCF-style: chr2-240771058-G-A. GRCh37 (hg19) VCF-style: chr2-241710475-G-A.
Other names: c.1254C>T, p.Ala418= (NM_001320705.2, NM_001330289.2, NM_001379638.1); c.1329C>T, p.Ala443= (NM_001330290.2, NM_001379631.1, NM_001379634.1 and 2 more transcripts); c.1227C>T, p.Ala409= (NM_001379632.1, NM_001379633.1, NM_001379636.1 and 10 more transcripts); c.1302C>T, p.Ala434= (NM_001379637.1, NM_001379648.1).
Identifiers: ClinVar variation 1110897 (VCV001110897.33), dbSNP rs2051896194, ClinGen allele CA432039293.

ClinVar aggregate classification (germline): Likely benign. Review status: criteria provided, multiple submitters, no conflicts (2 of 4 stars). 2 submissions from 2 submitters: Likely benign (2). Last evaluated 2024-10-24.

Conditions:
Hereditary spastic paraplegia 30. Identifiers: Orphanet 101010, MedGen C5235139, MONDO:0012476.
Neuropathy, hereditary sensory, type 2C. Also called: Hereditary sensory and autonomic neuropathy type IIC; KIF1A-Related HSAN2 (HSAN2C). Identifiers: Orphanet 970, MedGen C3280168, MONDO:0013634, OMIM 614213.
Intellectual disability, autosomal dominant 9 (NESCAVS). Also called: NESCAV SYNDROME; KIF1A-Related Neurodevelopmental Disorder. Identifiers: Orphanet 662367, MedGen C5393830, MONDO:0013656, OMIM 614255.

Allele frequency attached by ClinVar (database versions not stated): TOPMed below 0.00001.

Submissions (2):

Labcorp Genetics (formerly Invitae), Labcorp
Classification: Likely benign for Hereditary spastic paraplegia 30; Neuropathy, hereditary sensory, type 2C; Intellectual disability, autosomal dominant 9. Last evaluated: 2024-10-24. Review status: criteria provided, single submitter. Criteria: Invitae Variant Classification Sherloc (09022015). Collection method: clinical testing. Allele origin: germline.

CeGaT Center for Human Genetics Tuebingen
Classification: Likely benign. Last evaluated: 2022-11-01. Review status: criteria provided, single submitter. Criteria: CeGaT Center For Human Genetics Tuebingen Variant Classification Criteria Version 2. Collection method: clinical testing. Allele origin: germline. Affected: yes. Observed: 1 variant allele.
Comment: KIF1A: PM2:Supporting, BP4, BP7